The following is an entry in ClinVar:

ClinVar aggregate classification (germline): Uncertain significance. Review status: criteria provided, multiple submitters, no conflicts (2 of 4 stars). 2 submissions from 2 submitters: Uncertain significance (2). Last evaluated 2025-12-10.

Conditions:
Primary ciliary dyskinesia. Also called: Ciliary dyskinesia. Identifiers: Orphanet 244, MedGen C0008780, MONDO:0016575, HP:0012265.

Allele frequency attached by ClinVar (database versions not stated): ExAC 0.00001; gnomAD 0.00001; gnomAD exomes 0.00001 and 0.00004; TOPMed 0.00002.
gnomAD v4.1: 55 of 1,613,150 alleles (0.0034%); highest among the groups gnomAD compares: East Asian, 0.0045%; no homozygotes.

Submissions (2):

Ambry Genetics
Classification: Uncertain significance for Primary ciliary dyskinesia. Last evaluated: 2025-12-10. Review status: criteria provided, single submitter. Criteria: Ambry Variant Classification Scheme 2023. Collection method: clinical testing. Allele origin: germline.

Labcorp Genetics (formerly Invitae), Labcorp
Classification: Uncertain significance for Primary ciliary dyskinesia. Last evaluated: 2024-01-02. Review status: criteria provided, single submitter. Criteria: Invitae Variant Classification Sherloc (09022015). Collection method: clinical testing. Allele origin: germline.
Comment: This sequence change replaces arginine, which is basic and polar, with cysteine, which is neutral and slightly polar, at codon 836 of the DNAAF5 protein (p.Arg836Cys). This variant is present in population databases (rs755610202, gnomAD 0.006%). This variant has not been reported in the literature in individuals affected with DNAAF5-related conditions. ClinVar contains an entry for this variant (Variation ID: 1499519). Advanced modeling of protein sequence and biophysical properties (such as structural, functional, and spatial information, amino acid conservation, physicochemical variation, residue mobility, and thermodynamic stability) performed at Invitae indicates that this missense variant is expected to disrupt DNAAF5 protein function with a positive predictive value of 80%. In summary, the available evidence is currently insufficient to determine the role of this variant in disease. Therefore, it has been classified as a Variant of Uncertain Significance.

NM_017802.4(DNAAF5):c.2506C>T (p.Arg836Cys)

Gene: DNAAF5 (dynein axonemal assembly factor 5; plus strand). Cytogenetic location: 7p22.3.
Variant type: single nucleotide variant.
Coding change: c.2506C>T on transcript NM_017802.4 (MANE Select); coding-DNA position 2506, C replaced by T.
Protein change: p.Arg836Cys; replaces arginine 836 with cysteine.
Molecular consequence: missense variant. On other transcripts: non-coding transcript variant (1).
Genome position (GRCh38, 1-based): chr7:785,591, C>T. VCF-style: chr7-785591-C-T. GRCh37 (hg19) VCF-style: chr7-825228-C-T.
Other names: c.2506C>T (NM_017802.3); short protein forms R836C.
Identifiers: ClinVar variation 1499519 (VCV001499519.7), dbSNP rs755610202, ClinGen allele CA4111228.
Genomic context (GRCh38, chr7:785,591, plus strand): 5'-GGCAGCGGGCTGTTCCCAGATCTCCTGGTGAGGGAGACGGAGGCCGTCATCCACAAGCAC[C>T]GCTCGGCCACCTACTGCGAGCAGCTCCTGCAGCATGTGCAGGCCGTGCCAGCCACACAGT-3'
Protein context (NP_060272.3, residues 826-846): RETEAVIHKH[Arg836Cys]SATYCEQLLQ